The following is an entry in ClinVar:

ClinVar aggregate classification (germline): Pathogenic/Likely pathogenic. Review status: criteria provided, multiple submitters, no conflicts (2 of 4 stars). 8 submissions from 8 submitters: Pathogenic (6); Likely pathogenic (1). 1 of the submissions does not count toward it. Last evaluated 2025-12-30.

Conditions:
Nephrotic syndrome, type 2 (NPHS2). Also called: NEPHROTIC SYNDROME, STEROID-RESISTANT, AUTOSOMAL RECESSIVE. Identifiers: Orphanet 656, MedGen C1868672, MONDO:0010974, OMIM 600995.
NPHS2-related disorder. Also called: NPHS2-related condition.

Allele frequency attached by ClinVar (database versions not stated): gnomAD exomes below 0.00001.
gnomAD v4.1: 3 of 1,614,084 alleles (0.00019%); highest among the groups gnomAD compares: Middle Eastern, 0.017%; no homozygotes.

Submissions (8):

Labcorp Genetics (formerly Invitae), Labcorp
Classification: Pathogenic. Last evaluated: 2025-12-30. Review status: criteria provided, single submitter. Criteria: Invitae Variant Classification Sherloc (09022015). Collection method: clinical testing. Allele origin: germline.
Comment: This sequence change replaces proline, which is neutral and non-polar, with leucine, which is neutral and non-polar, at codon 118 of the NPHS2 protein (p.Pro118Leu). This variant is not present in population databases (gnomAD no frequency). This missense change has been observed in individual(s) with clinical features of nephrotic syndrome (PMID: 15253708, 15264208). In at least one individual the data is consistent with being in trans (on the opposite chromosome) from a pathogenic variant. It has also been observed to segregate with disease in related individuals. ClinVar contains an entry for this variant (Variation ID: 222762). Invitae Evidence Modeling of protein sequence and biophysical properties (such as structural, functional, and spatial information, amino acid conservation, physicochemical variation, residue mobility, and thermodynamic stability) has been performed for this missense variant. However, the output from this modeling did not meet the statistical confidence thresholds required to predict the impact of this variant on NPHS2 protein function. Experimental studies have shown that this missense change affects NPHS2 function (PMID: 14675423, 24596097). For these reasons, this variant has been classified as Pathogenic.

Revvity Omics, Revvity
Classification: Pathogenic for Nephrotic syndrome, type 2. Last evaluated: 2024-09-30. Review status: criteria provided, single submitter. Criteria: ACMG Guidelines, 2015. Collection method: clinical testing. Allele origin: germline.

3billion
Classification: Likely pathogenic for Nephrotic syndrome, type 2. Last evaluated: 2024-07-15. Review status: criteria provided, single submitter. Criteria: ACMG Guidelines, 2015. Collection method: clinical testing. Allele origin: germline. Affected: yes.
Comment: The variant is observed at an extremely low frequency in the gnomAD v4.0.0 dataset (total allele frequency: <0.001%). Predicted Consequence/Location: Missense variant In silico tool predictions suggest damaging effect of the variant on gene or gene product [REVEL: 0.91 (>=0.6, sensitivity 0.68 and specificity 0.92); 3Cnet: 0.86 (>=0.6, sensitivity 0.72 and precision 0.9)]. The same nucleotide change resulting in the same amino acid change has been previously reported as pathogenic/likely pathogenic with strong evidence (ClinVar ID: VCV000222762 /PMID: 15253708). Therefore, this variant is classified as Likely pathogenic according to the recommendation of ACMG/AMP guideline.

Fulgent Genetics
Classification: Pathogenic for Nephrotic syndrome, type 2. Last evaluated: 2024-02-10. Review status: criteria provided, single submitter. Criteria: ACMG Guidelines, 2015. Collection method: clinical testing. Allele origin: germline.

Baylor Genetics
Classification: Pathogenic for Nephrotic syndrome, type 2. Last evaluated: 2024-01-27. Review status: criteria provided, single submitter. Criteria: ACMG Guidelines, 2015. Collection method: clinical testing. Allele origin: unknown.

Genome-Nilou Lab
Classification: Pathogenic for Nephrotic syndrome, type 2. Last evaluated: 2023-04-11. Review status: criteria provided, single submitter. Criteria: ACMG Guidelines, 2015. Collection method: clinical testing. Allele origin: germline. Affected: no.

Blueprint Genetics
Classification: Pathogenic for NPHS2-related disorders. Last evaluated: 2022-06-15. Review status: criteria provided, single submitter. Criteria: ACMG Guidelines, 2015. Collection method: clinical testing. Allele origin: germline. Affected: yes. Observed: 2 variant alleles.

Bioscientia Institut fuer Medizinische Diagnostik GmbH, Sonic Healthcare
Classification: Pathogenic for Nephrotic syndrome, type 2. Last evaluated: 2018-10-12. Review status: no assertion criteria provided. Collection method: clinical testing. Allele origin: germline. Affected: yes. Not counted in ClinVar's aggregate classification.

Literature cited by the submitters: PubMed 15253708 (cited by Labcorp Genetics (formerly Invitae), Labcorp and 3billion); PubMed 15264208 (cited by Labcorp Genetics (formerly Invitae), Labcorp); PubMed 14675423 (cited by Labcorp Genetics (formerly Invitae), Labcorp); PubMed 24596097 (cited by Labcorp Genetics (formerly Invitae), Labcorp).

NM_014625.4(NPHS2):c.353C>T (p.Pro118Leu)

Gene: NPHS2 (NPHS2 stomatin family member, podocin; minus strand). Cytogenetic location: 1q25.2.
Variant type: single nucleotide variant.
Coding change: c.353C>T on transcript NM_014625.4 (MANE Select); coding-DNA position 353, C replaced by T.
Protein change: p.Pro118Leu; replaces proline 118 with leucine.
Molecular consequence: missense variant.
Genome position (GRCh38, 1-based): chr1:179,564,715, G>A on the plus strand (C>T on the coding strand, the complement: NPHS2 is on the minus strand). VCF-style: chr1-179564715-G-A. GRCh37 (hg19) VCF-style: chr1-179533850-G-A.
Other names: c.353C>T, p.Pro118Leu (NM_001297575.2); short protein forms P118L.
Identifiers: ClinVar variation 222762 (VCV000222762.16), dbSNP rs869025495, ClinGen allele CA351864.
Genomic context (GRCh38, chr1:179,564,715, plus strand): 5'-AGGAAATTACCTATTGGGTCCTTATGGAATCTCACCTTTACGCAGAACCAGATGGAAAAA[G>A]GGAAGGTCATGATGATGAAGAGCAGGGAAATGAGGACAAGAAGCCACTCACAGGCCCCTA-3'
Protein context (NP_055440.1, residues 108-128): ISLLFIIMTF[Pro118Leu]FSIWFCVKVV